The following is an entry in ClinVar:

ClinVar aggregate classification (germline): Uncertain significance (1 of 4 stars; one submission).

Submission:

Labcorp Genetics (formerly Invitae), Labcorp
Classification: Uncertain significance. Last evaluated: 2022-02-08. Review status: criteria provided, single submitter. Criteria: Invitae Variant Classification Sherloc (09022015). Collection method: clinical testing. Allele origin: germline.
Comment: This sequence change replaces glycine, which is neutral and non-polar, with alanine, which is neutral and non-polar, at codon 135 of the ADCY5 protein (p.Gly135Ala). In summary, the available evidence is currently insufficient to determine the role of this variant in disease. Therefore, it has been classified as a Variant of Uncertain Significance. Advanced modeling of protein sequence and biophysical properties (such as structural, functional, and spatial information, amino acid conservation, physicochemical variation, residue mobility, and thermodynamic stability) performed at Invitae indicates that this missense variant is not expected to disrupt ADCY5 protein function. This variant has not been reported in the literature in individuals affected with ADCY5-related conditions. The frequency data for this variant in the population databases is considered unreliable, as metrics indicate insufficient coverage at this position in the gnomAD database.

NM_183357.3(ADCY5):c.404G>C (p.Gly135Ala)

Gene: ADCY5 (adenylate cyclase 5; minus strand). Cytogenetic location: 3q21.1.
Variant type: single nucleotide variant.
Coding change: c.404G>C on transcript NM_183357.3 (MANE Select); coding-DNA position 404, G replaced by C.
Protein change: p.Gly135Ala; replaces glycine 135 with alanine.
Molecular consequence: missense variant.
Genome position (GRCh38, 1-based): chr3:123,448,142, C>G on the plus strand (G>C on the coding strand, the complement: ADCY5 is on the minus strand). VCF-style: chr3-123448142-C-G. GRCh37 (hg19) VCF-style: chr3-123166989-C-G.
Other names: c.404G>C, p.Gly135Ala (NM_001378259.1); short protein forms G135A.
Identifiers: ClinVar variation 1512975 (VCV001512975.8), dbSNP rs2107658939, ClinGen allele CA354358079.